The following is an entry in ClinVar:

ClinVar aggregate classification (germline): Uncertain significance (1 of 4 stars; one submission).

gnomAD v4.1: 6 of 1,613,884 alleles (0.00037%); highest among the groups gnomAD compares: Admixed American, 0.0083%; no homozygotes.

Submission:

Labcorp Genetics (formerly Invitae), Labcorp
Classification: Uncertain significance. Last evaluated: 2025-01-27. Review status: criteria provided, single submitter. Criteria: Invitae Variant Classification Sherloc (09022015). Collection method: clinical testing. Allele origin: germline.
Comment: This sequence change replaces proline, which is neutral and non-polar, with serine, which is neutral and polar, at codon 521 of the PDE3A protein (p.Pro521Ser). This variant is present in population databases (rs762319809, gnomAD 0.01%). This variant has not been reported in the literature in individuals affected with PDE3A-related conditions. An algorithm developed to predict the effect of missense changes on protein structure and function (PolyPhen-2) suggests that this variant is likely to be disruptive. In summary, the available evidence is currently insufficient to determine the role of this variant in disease. Therefore, it has been classified as a Variant of Uncertain Significance.

NM_000921.5(PDE3A):c.1561C>T (p.Pro521Ser)

Gene: PDE3A (phosphodiesterase 3A; plus strand). Cytogenetic location: 12p12.2.
Variant type: single nucleotide variant.
Coding change: c.1561C>T on transcript NM_000921.5 (MANE Select); coding-DNA position 1561, C replaced by T.
Protein change: p.Pro521Ser; replaces proline 521 with serine.
Molecular consequence: missense variant. On other transcripts: intron variant (1).
Genome position (GRCh38, 1-based): chr12:20,629,928, C>T. VCF-style: chr12-20629928-C-T. GRCh37 (hg19) VCF-style: chr12-20782862-C-T.
Other names: c.595C>T, p.Pro199Ser (NM_001244683.2, NM_001378409.1); c.598C>T, p.Pro200Ser (NM_001378408.1); c.1541-4974C>T (NM_001378407.1); short protein forms P199S, P521S, P200S.
Identifiers: ClinVar variation 3632173 (VCV003632173.2).
Genomic context (GRCh38, chr12:20,629,928, plus strand): 5'-AAGACATTTGTTTAGTTACTTAACTCTCATTCTTTCTCAGGTGCCCTCGCTAAAATTTCA[C>T]CTCTTTCATCGCCCTGCTCCTCACCTCTCCAAGGGACTCCTGCCAGCAGCCTGGTCAGCA-3'
Protein context (NP_000912.3, residues 511-531): SRPGALAKIS[Pro521Ser]LSSPCSSPLQ